The following is an entry in ClinVar:

ClinVar aggregate classification (germline): Benign/Likely benign. Review status: criteria provided, multiple submitters, no conflicts (2 of 4 stars). 2 submissions from 2 submitters: Benign (1); Likely benign (1). Last evaluated 2025-08-28.

Conditions:
Multiple endocrine neoplasia, type 2 (MEN2). Identifiers: Orphanet 653, MedGen C4048306, MONDO:0019003. Disease mechanism: gain of function.
Multiple endocrine neoplasia type 2A. Also called: Multiple Endocrine Neoplasia Type 2A (MEN2A); MULTIPLE ENDOCRINE NEOPLASIA, TYPE IIA; PTC SYNDROME; SIPPLE SYNDROME; MEN 2A; MEN-2A syndrome. Identifiers: Orphanet 247698, Orphanet 653, MedGen C0025268, MeSH D018813, MONDO:0008234, OMIM 171400.

Submissions (2):

Labcorp Genetics (formerly Invitae), Labcorp
Classification: Likely benign for Multiple endocrine neoplasia, type 2. Last evaluated: 2025-08-28. Review status: criteria provided, single submitter. Criteria: Invitae Variant Classification Sherloc (09022015). Collection method: clinical testing. Allele origin: germline.

Myriad Genetics, Inc.
Classification: Benign for Multiple endocrine neoplasia type 2A. Last evaluated: 2025-02-25. Review status: criteria provided, single submitter. Criteria: Myriad Autosomal Dominant, Autosomal Recessive and X-Linked Classification Criteria (2023). Collection method: clinical testing. Allele origin: unknown.
Comment: This variant is considered benign. This variant is a silent/synonymous amino acid change and it is not expected to impact splicing.

NM_020975.6(RET):c.1548C>G (p.Pro516=)

Gene: RET (ret proto-oncogene; plus strand). Cytogenetic location: 10q11.21.
Variant type: single nucleotide variant.
Coding change: c.1548C>G on transcript NM_020975.6 (MANE Select); coding-DNA position 1548, C replaced by G.
Protein change: p.Pro516=; no amino-acid change (proline 516 retained).
Molecular consequence: synonymous variant.
Genome position (GRCh38, 1-based): chr10:43,112,124, C>G. VCF-style: chr10-43112124-C-G. GRCh37 (hg19) VCF-style: chr10-43607572-C-G.
Other names: c.786C>G, p.Pro262= (NM_001355216.2); c.1548C>G, p.Pro516= (NM_001406743.1, NM_001406744.1, NM_001406759.1 and 4 more transcripts); c.1419C>G, p.Pro473= (NM_001406761.1, NM_001406762.1, NM_001406764.1 and 1 more transcripts); c.1260C>G, p.Pro420= (NM_001406766.1, NM_001406767.1, NM_001406770.1); c.1152C>G, p.Pro384= (NM_001406769.1, NM_001406772.1); c.1110C>G, p.Pro370= (NM_001406771.1, NM_001406773.1); c.1023C>G, p.Pro341= (NM_001406774.1); c.822C>G, p.Pro274= (NM_001406775.1, NM_001406776.1, NM_001406777.1 and 1 more transcripts); and 5 more.
Identifiers: ClinVar variation 3904713 (VCV003904713.2).